The following is an entry in ClinVar:

NM_015559.3(SETBP1):c.2741G>A (p.Arg914Gln)

Gene: SETBP1 (SET binding protein 1; plus strand). Cytogenetic location: 18q12.3.
Variant type: single nucleotide variant.
Coding change: c.2741G>A on transcript NM_015559.3 (MANE Select); coding-DNA position 2741, G replaced by A.
Protein change: p.Arg914Gln; replaces arginine 914 with glutamine.
Molecular consequence: missense variant.
Genome position (GRCh38, 1-based): chr18:44,952,081, G>A. VCF-style: chr18-44952081-G-A. GRCh37 (hg19) VCF-style: chr18-42532046-G-A.
Other names: c.2741G>A, p.Arg914Gln (NM_001379141.1, NM_001379142.1); c.2741G>A (NM_015559.2); short protein forms R914Q.
Identifiers: ClinVar variation 1342547 (VCV001342547.11), dbSNP rs777653524, ClinGen allele CA8945792.

ClinVar aggregate classification (germline): Conflicting classifications of pathogenicity. Review status: criteria provided, conflicting classifications (1 of 4 stars). 4 submissions from 4 submitters: Uncertain significance (3); Likely benign (1). Last evaluated 2024-06-03.

Conditions:
SETBP1-related disorder. Also called: SETBP1-related condition; SETBP1-related disorders.
Inborn genetic diseases. Identifiers: MedGen C0950123, MeSH D030342.
Intellectual developmental disorder, autosomal dominant 29. Also called: Intellectual disability, autosomal dominant 29; SETBP1 Haploinsufficiency Disorder. Identifiers: Orphanet 436151, MedGen C4015141, MONDO:0014482, OMIM 616078.

Allele frequency attached by ClinVar (database versions not stated): gnomAD exomes 0.00001; TOPMed 0.00001; gnomAD 0.00001; ExAC 0.00002.
gnomAD v4.1: 16 of 1,613,928 alleles (0.00099%); highest among the groups gnomAD compares: East Asian, 0.0045%; no homozygotes.

Submissions (4):

Labcorp Genetics (formerly Invitae), Labcorp
Classification: Likely benign. Last evaluated: 2024-06-03. Review status: criteria provided, single submitter. Criteria: Invitae Variant Classification Sherloc (09022015). Collection method: clinical testing. Allele origin: germline.

Ambry Genetics
Classification: Uncertain significance for Inborn genetic diseases. Last evaluated: 2024-01-23. Review status: criteria provided, single submitter. Criteria: Ambry Variant Classification Scheme 2023. Collection method: clinical testing. Allele origin: germline.

PreventionGenetics, part of Exact Sciences
Classification: Uncertain significance for SETBP1-related condition. Last evaluated: 2023-09-25. Review status: criteria provided, single submitter. Criteria: ACMG Guidelines, 2015. Collection method: clinical testing. Allele origin: germline.
Comment: The SETBP1 c.2741G>A variant is predicted to result in the amino acid substitution p.Arg914Gln. To our knowledge, this variant has not been reported in the literature. This variant is reported in 0.0054% of alleles in individuals of East Asian descent in gnomAD. At this time, the clinical significance of this variant is uncertain due to the absence of conclusive functional and genetic evidence.

New York Genome Center
Classification: Uncertain significance for Intellectual developmental disorder, autosomal dominant 29. Last evaluated: 2021-05-14. Review status: criteria provided, single submitter. Criteria: NYGC Assertion Criteria 2020. Collection method: clinical testing. Allele origin: inherited. Observed: 1 heterozygote. Study: CSER-NYCKidSeq.